The following is an entry in ClinVar:

NM_001369.3(DNAH5):c.6885G>A (p.Ala2295=)

Gene: DNAH5 (dynein axonemal heavy chain 5; minus strand). Cytogenetic location: 5p15.2.
Variant type: single nucleotide variant.
Coding change: c.6885G>A on transcript NM_001369.3 (MANE Select); coding-DNA position 6885, G replaced by A.
Protein change: p.Ala2295=; no amino-acid change (alanine 2295 retained).
Molecular consequence: synonymous variant.
Genome position (GRCh38, 1-based): chr5:13,817,651, C>T on the plus strand (G>A on the coding strand, the complement: DNAH5 is on the minus strand). VCF-style: chr5-13817651-C-T. GRCh37 (hg19) VCF-style: chr5-13817760-C-T.
Identifiers: ClinVar variation 525523 (VCV000525523.15), dbSNP rs762437869, ClinGen allele CA3203245.

ClinVar aggregate classification (germline): Likely benign. Review status: criteria provided, multiple submitters, no conflicts (2 of 4 stars). 3 submissions from 3 submitters: Likely benign (2). 1 of the submissions does not count toward it. Last evaluated 2024-11-11.

Conditions:
DNAH5-related disorder. Also called: DNAH5-related condition.
Primary ciliary dyskinesia. Also called: Ciliary dyskinesia. Identifiers: Orphanet 244, MedGen C0008780, MONDO:0016575, HP:0012265.

Allele frequency attached by ClinVar (database versions not stated): TOPMed below 0.00001; ExAC 0.00001; gnomAD exomes 0.00001; gnomAD 0.00003 and 0.00004.
gnomAD v4.1: 17 of 1,614,060 alleles (0.0011%); highest among the groups gnomAD compares: African/African-American, 0.0027%; no homozygotes.

Submissions (3):

Labcorp Genetics (formerly Invitae), Labcorp
Classification: Likely benign for Primary ciliary dyskinesia. Last evaluated: 2024-11-11. Review status: criteria provided, single submitter. Criteria: Invitae Variant Classification Sherloc (09022015). Collection method: clinical testing. Allele origin: germline.

Blueprint Genetics
Classification: Likely benign. Last evaluated: 2024-10-11. Review status: criteria provided, single submitter. Criteria: ACMG Guidelines, 2015. Collection method: clinical testing. Allele origin: germline.

PreventionGenetics, part of Exact Sciences
Classification: Likely benign for DNAH5-related condition. Last evaluated: 2019-06-19. Review status: no assertion criteria provided. Collection method: clinical testing. Allele origin: germline. Not counted in ClinVar's aggregate classification.
Comment: This variant is classified as likely benign based on ACMG/AMP sequence variant interpretation guidelines (Richards et al. 2015 PMID: 25741868, with internal and published modifications).